The following is an entry in ClinVar:

ClinVar aggregate classification (germline): Uncertain significance (1 of 4 stars; one submission).

Allele frequency attached by ClinVar (database versions not stated): gnomAD exomes below 0.00001.
gnomAD v4.1: 1 of 1,532,674 alleles (0.000065%); highest among the groups gnomAD compares: South Asian, 0.0012%; no homozygotes.

Submission:

Labcorp Genetics (formerly Invitae), Labcorp
Classification: Uncertain significance. Last evaluated: 2022-10-25. Review status: criteria provided, single submitter. Criteria: Invitae Variant Classification Sherloc (09022015). Collection method: clinical testing. Allele origin: germline.
Comment: In summary, the available evidence is currently insufficient to determine the role of this variant in disease. Therefore, it has been classified as a Variant of Uncertain Significance. Advanced modeling of protein sequence and biophysical properties (such as structural, functional, and spatial information, amino acid conservation, physicochemical variation, residue mobility, and thermodynamic stability) performed at Invitae indicates that this missense variant is expected to disrupt LMNB1 protein function. This variant has not been reported in the literature in individuals affected with LMNB1-related conditions. This variant is not present in population databases (gnomAD no frequency). This sequence change replaces leucine, which is neutral and non-polar, with phenylalanine, which is neutral and non-polar, at codon 81 of the LMNB1 protein (p.Leu81Phe).

NM_005573.4(LMNB1):c.241C>T (p.Leu81Phe)

Gene: LMNB1 (lamin B1; plus strand). Cytogenetic location: 5q23.2.
Variant type: single nucleotide variant.
Coding change: c.241C>T on transcript NM_005573.4 (MANE Select); coding-DNA position 241, C replaced by T.
Protein change: p.Leu81Phe; replaces leucine 81 with phenylalanine.
Molecular consequence: missense variant. On other transcripts: non-coding transcript variant (1), intron variant (1).
Genome position (GRCh38, 1-based): chr5:126,777,749, C>T. VCF-style: chr5-126777749-C-T. GRCh37 (hg19) VCF-style: chr5-126113441-C-T.
Other names: c.-272+505C>T (NM_001198557.2); short protein forms L81F.
Identifiers: ClinVar variation 2025949 (VCV002025949.4), dbSNP rs2479405130, ClinGen allele CA360725410.